The following is an entry in ClinVar:

ClinVar aggregate classification (germline): Conflicting classifications of pathogenicity. Review status: criteria provided, conflicting classifications (1 of 4 stars). 10 submissions from 9 submitters: Uncertain significance (1); Benign (3); Likely benign (6). Last evaluated 2026-01-20.

Conditions:
FANCB-related disorder. Also called: FANCB-related condition.
Inborn genetic diseases. Identifiers: MedGen C0950123, MeSH D030342.
VACTERL association, X-linked, with or without hydrocephalus (VACTERLX). Also called: VACTERL Association with Hydrocephalus, X-linked; VACTERL-H, X-LINKED; X-linked VACTERL-H syndrome; VACTERL ASSOCIATION, X-LINKED. Identifiers: Orphanet 3412, MedGen C2931228, MONDO:0010752, OMIM 314390.
Fanconi anemia (FA). Also called: Fanconi's anemia. Identifiers: Orphanet 84, MedGen C0015625, MeSH D005199, MONDO:0019391.
Fanconi anemia complementation group B (FANCB). Also called: FANCONI PANCYTOPENIA, TYPE 2; FANCB-Related Fanconi Anemia. Identifiers: Orphanet 84, MedGen C1845292, MONDO:0010351, OMIM 300514.

Allele frequency attached by ClinVar (database versions not stated): TOPMed 0.00014; ExAC 0.00018; gnomAD exomes 0.00019 and 0.00020; gnomAD 0.00020.
gnomAD v4.1: 222 of 1,182,568 alleles (0.019%); highest among the groups gnomAD compares: Non-Finnish European, 0.023%; no homozygotes.

Submissions (10):

Labcorp Genetics (formerly Invitae), Labcorp
Classification: Benign for Fanconi anemia. Last evaluated: 2026-01-20. Review status: criteria provided, single submitter. Criteria: Invitae Variant Classification Sherloc (09022015). Collection method: clinical testing. Allele origin: germline.

PreventionGenetics, part of Exact Sciences
Classification: Likely benign for FANCB-related condition. Last evaluated: 2025-07-02. Review status: criteria provided, single submitter. Criteria: ACMG Guidelines, 2015. Collection method: clinical testing. Allele origin: germline.
Comment: This variant is classified as likely benign based on ACMG/AMP sequence variant interpretation guidelines (Richards et al. 2015 PMID: 25741868, with internal and published modifications).

CeGaT Center for Human Genetics Tuebingen
Classification: Likely benign. Last evaluated: 2025-04-01. Review status: criteria provided, single submitter. Criteria: CeGaT Center For Human Genetics Tuebingen Variant Classification Criteria Version 2. Collection method: clinical testing. Allele origin: germline. Affected: yes. Observed: 8 variant alleles.
Comment: FANCB: BP4, BS2

Laboratory of Genetics, Children's Clinical University Hospital Latvia
Classification: Likely benign. Last evaluated: 2025-02-16. Review status: criteria provided, single submitter. Criteria: ACMG Guidelines, 2015. Collection method: clinical testing. Allele origin: germline. Affected: yes.

Blueprint Genetics
Classification: Likely benign. Last evaluated: 2024-10-14. Review status: criteria provided, single submitter. Criteria: ACMG Guidelines, 2015. Collection method: clinical testing. Allele origin: germline.

Sema4
Classification: Likely benign for Fanconi anemia. Last evaluated: 2021-03-11. Review status: criteria provided, single submitter. Criteria: Sema4 Curation Guidelines. Collection method: curation. Allele origin: germline.

Illumina Laboratory Services, Illumina
Classification: Benign for VACTERL association with hydrocephaly, X-linked. Last evaluated: 2018-01-13. Review status: criteria provided, single submitter. Criteria: ICSL Variant Classification Criteria 13 December 2019. Collection method: clinical testing. Allele origin: germline.
Comment: This variant was observed in the ICSL laboratory as part of a predisposition screen in an ostensibly healthy population. It had not been previously curated by ICSL or reported in the Human Gene Mutation Database (HGMD: prior to June 1st, 2018), and was therefore a candidate for classification through an automated scoring system. Utilizing variant allele frequency, disease prevalence and penetrance estimates, and inheritance mode, an automated score was calculated to assess if this variant is too frequent to cause the disease. Based on the score and internal cut-off values, a variant classified as benign is not then subjected to further curation. The score for this variant resulted in a classification of benign for this disease.

Illumina Laboratory Services, Illumina
Classification: Benign for Fanconi anemia complementation group B. Last evaluated: 2018-01-13. Review status: criteria provided, single submitter. Criteria: ICSL Variant Classification Criteria 13 December 2019. Collection method: clinical testing. Allele origin: germline.
Comment: the same text as in the submission from Illumina Laboratory Services, Illumina above.

Eurofins Ntd Llc (ga)
Classification: Likely benign. Last evaluated: 2016-01-26. Review status: criteria provided, single submitter. Criteria: EGL Classification Definitions 2015. Collection method: clinical testing. Allele origin: germline. Observed: 6 variant alleles, 3 heterozygotes, 3 hemizygotes.

Ambry Genetics
Classification: Uncertain significance for Inborn genetic diseases. Last evaluated: 2015-03-22. Review status: criteria provided, single submitter. Criteria: Ambry Variant Classification Scheme 2023. Collection method: clinical testing. Allele origin: germline.
Comment: The p.F380L variant (also known as c.1140T>A), located in coding exon 3 of the FANCB gene, results from a T to A substitution at nucleotide position 1140. The phenylalanine at codon 380 is replaced by leucine, an amino acid with highly similar properties. This variant was previously reported in the SNPDatabase as rs199909156. This variant was not reported in population based cohorts in the following databases: NHLBI Exome Sequencing Project (ESP) and 1000 Genomes Project. In the ESP, this variant was not observed in 6,503 samples (13,006 alleles) with coverage at this position. This amino acid position is not well conserved in available vertebrate species. In addition, this alteration is predicted to be tolerated by in silico analysis. Since supporting evidence is limited at this time, the clinical significance of this variant remains unclear.

NM_001018113.3(FANCB):c.1140T>A (p.Phe380Leu)

Gene: FANCB (FA complementation group B; minus strand). Cytogenetic location: Xp22.2.
Variant type: single nucleotide variant.
Coding change: c.1140T>A on transcript NM_001018113.3 (MANE Select); coding-DNA position 1140, T replaced by A.
Protein change: p.Phe380Leu; replaces phenylalanine 380 with leucine.
Molecular consequence: missense variant.
Genome position (GRCh38, 1-based): chrX:14,857,919, A>T on the plus strand (T>A on the coding strand, the complement: FANCB is on the minus strand). VCF-style: chrX-14857919-A-T. GRCh37 (hg19) VCF-style: chrX-14876041-A-T.
Other names: c.1140T>A, p.Phe380Leu (NM_001324162.2, NM_152633.4); c.1140T>A (NM_001018113.2); short protein forms F380L.
Identifiers: ClinVar variation 197705 (VCV000197705.48), dbSNP rs199909156, ClinGen allele CA245990.